The following is an entry in ClinVar:

ClinVar aggregate classification (germline): Uncertain significance. Review status: criteria provided, multiple submitters, no conflicts (2 of 4 stars). 2 submissions from 2 submitters: Uncertain significance (2). Last evaluated 2025-06-18.

Conditions:
Inborn genetic diseases. Identifiers: MedGen C0950123, MeSH D030342.

Submissions (2):

Ambry Genetics
Classification: Uncertain significance for Inborn genetic diseases. Last evaluated: 2025-06-18. Review status: criteria provided, single submitter. Criteria: Ambry Variant Classification Scheme 2023. Collection method: clinical testing. Allele origin: germline.

Labcorp Genetics (formerly Invitae), Labcorp
Classification: Uncertain significance. Last evaluated: 2025-01-05. Review status: criteria provided, single submitter. Criteria: Invitae Variant Classification Sherloc (09022015). Collection method: clinical testing. Allele origin: germline.
Comment: This sequence change replaces proline, which is neutral and non-polar, with arginine, which is basic and polar, at codon 386 of the CDK13 protein (p.Pro386Arg). This variant is not present in population databases (gnomAD no frequency). This variant has not been reported in the literature in individuals affected with CDK13-related conditions. Invitae Evidence Modeling of protein sequence and biophysical properties (such as structural, functional, and spatial information, amino acid conservation, physicochemical variation, residue mobility, and thermodynamic stability) indicates that this missense variant is not expected to disrupt CDK13 protein function with a negative predictive value of 80%. In summary, the available evidence is currently insufficient to determine the role of this variant in disease. Therefore, it has been classified as a Variant of Uncertain Significance.

NM_003718.5(CDK13):c.1157C>G (p.Pro386Arg)

Gene: CDK13 (cyclin dependent kinase 13; plus strand). Cytogenetic location: 7p14.1.
Variant type: single nucleotide variant.
Coding change: c.1157C>G on transcript NM_003718.5 (MANE Select); coding-DNA position 1157, C replaced by G.
Protein change: p.Pro386Arg; replaces proline 386 with arginine.
Molecular consequence: missense variant.
Genome position (GRCh38, 1-based): chr7:39,951,798, C>G. VCF-style: chr7-39951798-C-G. GRCh37 (hg19) VCF-style: chr7-39991397-C-G.
Other names: c.1157C>G, p.Pro386Arg (NM_031267.4); short protein forms P386R.
Identifiers: ClinVar variation 3700847 (VCV003700847.3).